The following is an entry in ClinVar:

ClinVar aggregate classification (germline): Uncertain significance (1 of 4 stars; one submission).

Submission:

GeneDx
Classification: Uncertain significance. Last evaluated: 2017-11-13. Review status: criteria provided, single submitter. Criteria: GeneDx Variant Classification (06012015). Collection method: clinical testing. Allele origin: germline. Affected: yes.
Comment: The Q16H variant in the BRAF gene has not been reported previously as a pathogenic variant, nor as a benign variant, to our knowledge. The Q16H variant is not observed in large population cohorts (Lek et al., 2016). The Q16H variant is a semi-conservative amino acid substitution, which may impact secondary protein structure as these residues differ in some properties. In-silico analyses, including protein predictors and evolutionary conservation, support that this variant does not alter protein structure/function. However, the majority of missense variants in this gene are considered pathogenic (Stenson et al., 2014). We interpret Q16H as a variant of uncertain significance.

NM_004333.6(BRAF):c.48G>C (p.Gln16His)

Gene: BRAF (B-Raf proto-oncogene, serine/threonine kinase; minus strand). Cytogenetic location: 7q34.
Variant type: single nucleotide variant.
Coding change: c.48G>C on transcript NM_004333.6 (MANE Select); coding-DNA position 48, G replaced by C.
Protein change: p.Gln16His; replaces glutamine 16 with histidine.
Molecular consequence: missense variant.
Genome position (GRCh38, 1-based): chr7:140,924,656, C>G on the plus strand (G>C on the coding strand, the complement: BRAF is on the minus strand). VCF-style: chr7-140924656-C-G. GRCh37 (hg19) VCF-style: chr7-140624456-C-G.
Other names: c.48G>C, p.Gln16His (NM_001354609.2, NM_001374244.1, NM_001374258.1 and 7 more transcripts); short protein forms Q16H.
Identifiers: ClinVar variation 561695 (VCV000561695.1), dbSNP rs1563042542, ClinGen allele CA369590202.